The following is an entry in ClinVar:

ClinVar aggregate classification (germline): Uncertain significance (1 of 4 stars; one submission).

Conditions:
Leukoencephalopathy, hereditary diffuse, with spheroids 2 (HDLS2). Also called: LEUKOENCEPHALOPATHY, HEREDITARY DIFFUSE, WITH SPHEROIDS, SWEDISH TYPE. Identifiers: MedGen C5562044, MONDO:0030634, OMIM 619661.
Trichothiodystrophy 8, nonphotosensitive. Identifiers: MedGen C5562057, MONDO:0030517, OMIM 619691.
Developmental and epileptic encephalopathy, 29 (DEE29). Also called: Epileptic encephalopathy, early infantile, 29. Identifiers: Orphanet 442835, MedGen C4225361, MONDO:0014593, OMIM 616339.
Charcot-Marie-Tooth disease axonal type 2N (CMT2N). Also called: Charcot-Marie-Tooth Neuropathy Type 2N; CHARCOT-MARIE-TOOTH DISEASE, AXONAL, AUTOSOMAL DOMINANT, TYPE 2N; CHARCOT-MARIE-TOOTH NEUROPATHY, AXONAL, TYPE 2N. Identifiers: Orphanet 228174, MedGen C2750090, MONDO:0013212, OMIM 613287.

Submission:

Juno Genomics, Hangzhou Juno Genomics, Inc
Classification: Uncertain significance for Leukoencephalopathy, hereditary diffuse, with spheroids 2; Charcot-Marie-Tooth disease axonal type 2N; Developmental and epileptic encephalopathy, 29; Trichothiodystrophy 8, nonphotosensitive. Review status: criteria provided, single submitter. Criteria: ACMG Guidelines, 2015. Collection method: clinical testing. Allele origin: germline.
Comment: Null variant in a gene where loss of function (LOF) is a known mechanism of disease.;Absent from controls (or at extremely low frequency if recessive) in Genome Aggregation Database.

NM_001605.3(AARS1):c.333+1_333+5del

Gene: AARS1 (alanyl-tRNA synthetase 1; minus strand). Cytogenetic location: 16q22.1.
Variant type: Deletion.
Coding change: c.333+1_333+5del on transcript NM_001605.3 (MANE Select); the canonical splice donor site of the intron after coding-DNA position 333 through 5 bases into the intron after coding-DNA position 333, 5 bases deleted (GTAAG; older notation c.333+1_333+5delGTAAG).
Molecular consequence: splice donor variant.
Genome position (GRCh38, 1-based): chr16:70,276,961-70,276,965, CTTAC deleted on the plus strand (GTAAG on the coding strand, the reverse complement: AARS1 is on the minus strand); deleting any 5 consecutive bases within chr16:70,276,961-70,276,969 gives the same sequence; the c. name uses the placement nearest the transcript's 3' end. VCF-style (leftmost placement, unchanged base first): chr16-70276960-ACTTAC-A. GRCh37 (hg19) VCF-style: chr16-70310863-ACTTAC-A.
Identifiers: ClinVar variation 5005622 (VCV005005622.2).
Genomic context (GRCh38, chr16:70,276,960, plus strand): 5'-CCAGTTCCCAGTGTGGAAAAGACCATTTTCCTCAAAACCCTAGTGGTTCTTCTGCTCTGA[ACTTAC>A]CTTAAAGTAATCTCCAAAAGACCAAGAGCCCAGCATCTCGAAGAAGGTGTGATGATAGAC-3'